The following is an entry in ClinVar:

ClinVar aggregate classification (germline): Pathogenic (1 of 4 stars; one submission).

Conditions:
Bardet-Biedl syndrome (BBS). Identifiers: Orphanet 110, MedGen C0752166, MONDO:0015229.

Submission:

Labcorp Genetics (formerly Invitae), Labcorp
Classification: Pathogenic for Bardet-Biedl syndrome. Last evaluated: 2020-07-14. Review status: criteria provided, single submitter. Criteria: Invitae Variant Classification Sherloc (09022015). Collection method: clinical testing. Allele origin: germline.
Comment: For these reasons, this variant has been classified as Pathogenic. Loss-of-function variants in TTC8 are known to be pathogenic (PMID: 16308660, 16877420, 19797195, 21052717, 30886724). This variant has been observed in individual(s) with an inherited retinal dystrophy (PMID: 31736247). This variant is also known as c.674G>A (p.Trp225*). This variant is not present in population databases (ExAC no frequency). This sequence change creates a premature translational stop signal (p.Trp215*) in the TTC8 gene. It is expected to result in an absent or disrupted protein product.

Literature cited by the submitters: PubMed 16308660; PubMed 16877420; PubMed 19797195; PubMed 21052717; PubMed 30886724; PubMed 31736247.

NM_144596.4(TTC8):c.674G>A (p.Trp225Ter)

Gene: TTC8 (tetratricopeptide repeat domain 8; plus strand). Cytogenetic location: 14q31.3.
Variant type: single nucleotide variant.
Coding change: c.674G>A on transcript NM_144596.4 (MANE Select); coding-DNA position 674, G replaced by A.
Protein change: p.Trp225Ter; replaces tryptophan 225 with a stop codon.
Molecular consequence: nonsense. On other transcripts: 5 prime UTR variant (1), non-coding transcript variant (1).
Genome position (GRCh38, 1-based): chr14:88,853,020, G>A. VCF-style: chr14-88853020-G-A. GRCh37 (hg19) VCF-style: chr14-89319364-G-A.
Other names: c.722G>A, p.Trp241Ter (NM_001288781.1); c.80G>A, p.Trp27Ter (NM_001288782.1); c.-44G>A (NM_001288783.1); c.644G>A, p.Trp215Ter (NM_001366535.2, NM_198309.3); c.554G>A, p.Trp185Ter (NM_001366536.2, NM_198310.3); short protein forms W185*, W215*, W225*, W241*, W27*.
Identifiers: ClinVar variation 1076679 (VCV001076679.9), dbSNP rs2140999501, ClinGen allele CA390544679.